The following is an entry in ClinVar:

ClinVar aggregate classification (germline): Conflicting classifications of pathogenicity. Review status: criteria provided, conflicting classifications (1 of 4 stars). 2 submissions from 2 submitters: Uncertain significance (1); Likely benign (1). Last evaluated 2025-03-01.

Allele frequency attached by ClinVar (database versions not stated): gnomAD 0.00007; TOPMed 0.00009; 1000 Genomes Project 30x 0.00016; ExAC 0.00019; 1000 Genomes Project 0.00020.

Submissions (2):

CeGaT Center for Human Genetics Tuebingen
Classification: Likely benign. Last evaluated: 2025-03-01. Review status: criteria provided, single submitter. Criteria: CeGaT Center For Human Genetics Tuebingen Variant Classification Criteria Version 2. Collection method: clinical testing. Allele origin: germline. Affected: yes. Observed: 3 variant alleles.
Comment: ERMARD: BP4

Labcorp Genetics (formerly Invitae), Labcorp
Classification: Uncertain significance. Last evaluated: 2025-01-02. Review status: criteria provided, single submitter. Criteria: Invitae Variant Classification Sherloc (09022015). Collection method: clinical testing. Allele origin: germline.
Comment: This sequence change replaces threonine, which is neutral and polar, with methionine, which is neutral and non-polar, at codon 565 of the ERMARD protein (p.Thr565Met). This variant is present in population databases (rs200319641, gnomAD 0.03%). This variant has not been reported in the literature in individuals affected with ERMARD-related conditions. ClinVar contains an entry for this variant (Variation ID: 2657148). An algorithm developed to predict the effect of missense changes on protein structure and function (PolyPhen-2) suggests that this variant is likely to be tolerated. In summary, the available evidence is currently insufficient to determine the role of this variant in disease. Therefore, it has been classified as a Variant of Uncertain Significance.

NM_018341.3(ERMARD):c.1694C>T (p.Thr565Met)

Gene: ERMARD (ER membrane associated RNA degradation; plus strand). Cytogenetic location: 6q27.
Variant type: single nucleotide variant.
Coding change: c.1694C>T on transcript NM_018341.3 (MANE Select); coding-DNA position 1694, C replaced by T.
Protein change: p.Thr565Met; replaces threonine 565 with methionine.
Molecular consequence: missense variant. On other transcripts: intron variant (2).
Genome position (GRCh38, 1-based): chr6:169,776,628, C>T. VCF-style: chr6-169776628-C-T. GRCh37 (hg19) VCF-style: chr6-170176724-C-T.
Other names: c.1316C>T, p.Thr439Met (NM_001278532.2); c.1286C>T, p.Thr429Met (NM_001410957.1); c.1598+217C>T (NM_001278531.2); c.1520+563C>T (NM_001278533.2); short protein forms T429M, T439M, T565M.
Identifiers: ClinVar variation 2657148 (VCV002657148.27), dbSNP rs200319641, ClinGen allele CA4106377.